The following is an entry in ClinVar:

ClinVar aggregate classification (germline): Likely benign (1 of 4 stars; one submission).

gnomAD v4.1: 8 of 1,324,878 alleles (0.0006%); highest among the groups gnomAD compares: Admixed American, 0.004%; no homozygotes.

Submission:

CeGaT Center for Human Genetics Tuebingen
Classification: Likely benign. Last evaluated: 2025-04-01. Review status: criteria provided, single submitter. Criteria: CeGaT Center For Human Genetics Tuebingen Variant Classification Criteria Version 2. Collection method: clinical testing. Allele origin: germline. Affected: yes. Observed: 1 variant allele.
Comment: ADRA1B: BP4, BP7

NM_000679.4(ADRA1B):c.1128C>A (p.Arg376=)

Gene: ADRA1B (adrenoceptor alpha 1B; plus strand). Cytogenetic location: 5q33.3.
Variant type: single nucleotide variant.
Coding change: c.1128C>A on transcript NM_000679.4 (MANE Select); coding-DNA position 1128, C replaced by A.
Protein change: p.Arg376=; no amino-acid change (arginine 376 retained).
Molecular consequence: synonymous variant.
Genome position (GRCh38, 1-based): chr5:159,972,057, C>A. VCF-style: chr5-159972057-C-A. GRCh37 (hg19) VCF-style: chr5-159399064-C-A.
Identifiers: ClinVar variation 3898338 (VCV003898338.7).
Genomic context (GRCh38, chr5:159,972,057, plus strand): 5'-GCGCGCTTTCGTGCGCATCCTCGGGTGCCAGTGCCGCGGCCGCGGCCGCCGCCGACGCCG[C>A]CGCCGCCGTCGCCTGGGCGGCTGCGCCTACACCTACCGGCCGTGGACGCGCGGCGGCTCG-3'
Protein context (NP_000670.1, residues 366-386): QCRGRGRRRR[Arg376=]RRRRLGGCAY